The following is an entry in ClinVar:

NM_001329943.3(KIAA0586):c.269G>A (p.Ser90Asn)

Gene: KIAA0586 (KIAA0586; plus strand). Cytogenetic location: 14q23.1.
Variant type: single nucleotide variant.
Coding change: c.269G>A on transcript NM_001329943.3 (MANE Select); coding-DNA position 269, G replaced by A.
Protein change: p.Ser90Asn; replaces serine 90 with asparagine.
Molecular consequence: missense variant.
Genome position (GRCh38, 1-based): chr14:58,429,432, G>A. VCF-style: chr14-58429432-G-A. GRCh37 (hg19) VCF-style: chr14-58896150-G-A.
Other names: c.305G>A, p.Ser102Asn (NM_001244189.2); c.224G>A, p.Ser75Asn (NM_001244190.2); c.14G>A, p.Ser5Asn (NM_001244191.2, NM_001244192.2, NM_001329945.2 and 2 more transcripts); c.269G>A, p.Ser90Asn (NM_001329944.2, NM_001329946.2, NM_001329947.2 and 1 more transcripts); short protein forms S102N, S75N, S5N, S90N.
Identifiers: ClinVar variation 1477369 (VCV001477369.3), dbSNP rs780403471, ClinGen allele CA7205309.

ClinVar aggregate classification (germline): Uncertain significance (1 of 4 stars; one submission).

Conditions:
Joubert syndrome 23 (JBTS23). Identifiers: Orphanet 475, MedGen C4084822, MONDO:0014664, OMIM 616490.
Short-rib thoracic dysplasia 14 with polydactyly (SRTD14). Identifiers: Orphanet 397715, MedGen C4225286, MONDO:0014688, OMIM 616546.

Allele frequency attached by ClinVar (database versions not stated): gnomAD exomes 0.00002.
gnomAD v4.1: 6 of 1,562,018 alleles (0.00038%); highest among the groups gnomAD compares: Non-Finnish European, 0.00053%; no homozygotes.

Submission:

Labcorp Genetics (formerly Invitae), Labcorp
Classification: Uncertain significance for Joubert syndrome 23; Short-rib thoracic dysplasia 14 with polydactyly. Last evaluated: 2021-12-23. Review status: criteria provided, single submitter. Criteria: Invitae Variant Classification Sherloc (09022015). Collection method: clinical testing. Allele origin: germline.
Comment: This sequence change replaces serine, which is neutral and polar, with asparagine, which is neutral and polar, at codon 102 of the KIAA0586 protein (p.Ser102Asn). This variant is present in population databases (rs780403471, gnomAD 0.004%). This variant has not been reported in the literature in individuals affected with KIAA0586-related conditions. Algorithms developed to predict the effect of missense changes on protein structure and function output the following: SIFT: "Tolerated"; PolyPhen-2: "Benign"; Align-GVGD: "Class C0". The asparagine amino acid residue is found in multiple mammalian species, which suggests that this missense change does not adversely affect protein function. In summary, the available evidence is currently insufficient to determine the role of this variant in disease. Therefore, it has been classified as a Variant of Uncertain Significance.